The following is an entry in ClinVar:

ClinVar aggregate classification (germline): Pathogenic (1 of 4 stars; one submission).

Submission:

Labcorp Genetics (formerly Invitae), Labcorp
Classification: Pathogenic. Last evaluated: 2023-06-14. Review status: criteria provided, single submitter. Criteria: Invitae Variant Classification Sherloc (09022015). Collection method: clinical testing. Allele origin: germline.
Comment: For these reasons, this variant has been classified as Pathogenic. This variant has not been reported in the literature in individuals affected with CHRNG-related conditions. This variant is not present in population databases (gnomAD no frequency). This sequence change creates a premature translational stop signal (p.Ser153*) in the CHRNG gene. It is expected to result in an absent or disrupted protein product. Loss-of-function variants in CHRNG are known to be pathogenic (PMID: 16826520).

Literature cited by the submitters: PubMed 16826520.

NM_005199.5(CHRNG):c.458C>G (p.Ser153Ter)

Gene: CHRNG (cholinergic receptor nicotinic gamma subunit; plus strand). Cytogenetic location: 2q37.1.
Variant type: single nucleotide variant.
Coding change: c.458C>G on transcript NM_005199.5 (MANE Select); coding-DNA position 458, C replaced by G.
Protein change: p.Ser153Ter; replaces serine 153 with a stop codon.
Molecular consequence: nonsense.
Genome position (GRCh38, 1-based): chr2:232,541,481, C>G. VCF-style: chr2-232541481-C-G. GRCh37 (hg19) VCF-style: chr2-233406191-C-G.
Other names: short protein forms S153*.
Identifiers: ClinVar variation 2712908 (VCV002712908.3), dbSNP rs2469748575, ClinGen allele CA351009134.
Genomic context (GRCh38, chr2:232,541,481, plus strand): 5'-CCCCTGACGGCTGTATCTACTGGCTGCCGCCTGCCATCTTCCGTTCCGCCTGCTCTATCT[C>G]AGTCACCTACTTCCCCTTCGACTGGCAGAACTGCTCCCTTATCTTCCAGTGAGGCCATTT-3'